The following is an entry in ClinVar:

NM_000390.4(CHM):c.1954T>G (p.Ser652Ala)

Gene: CHM (CHM Rab escort protein; minus strand). Cytogenetic location: Xq21.2.
Variant type: single nucleotide variant.
Coding change: c.1954T>G on transcript NM_000390.4 (MANE Select); coding-DNA position 1954, T replaced by G.
Protein change: p.Ser652Ala; replaces serine 652 with alanine.
Molecular consequence: missense variant.
Genome position (GRCh38, 1-based): chrX:85,864,638, A>C on the plus strand (T>G on the coding strand, the complement: CHM is on the minus strand). VCF-style: chrX-85864638-A-C. GRCh37 (hg19) VCF-style: chrX-85119643-A-C.
Other names: c.1510T>G, p.Ser504Ala (NM_001320959.1, NM_001362517.1, NM_001362518.2 and 1 more transcripts); short protein forms S652A, S504A.
Identifiers: ClinVar variation 2074156 (VCV002074156.4), dbSNP rs779628698, ClinGen allele CA413784690.

ClinVar aggregate classification (germline): Uncertain significance (1 of 4 stars; one submission).

Submission:

Labcorp Genetics (formerly Invitae), Labcorp
Classification: Uncertain significance. Last evaluated: 2022-01-04. Review status: criteria provided, single submitter. Criteria: Invitae Variant Classification Sherloc (09022015). Collection method: clinical testing. Allele origin: germline.
Comment: In summary, the available evidence is currently insufficient to determine the role of this variant in disease. Therefore, it has been classified as a Variant of Uncertain Significance. Algorithms developed to predict the effect of missense changes on protein structure and function (SIFT, PolyPhen-2, Align-GVGD) all suggest that this variant is likely to be tolerated. This variant has not been reported in the literature in individuals affected with CHM-related conditions. This variant is not present in population databases (gnomAD no frequency). This sequence change replaces serine, which is neutral and polar, with alanine, which is neutral and non-polar, at codon 652 of the CHM protein (p.Ser652Ala).